The following is an entry in ClinVar:

NM_001134831.2(AHI1):c.940A>C (p.Asn314His)

Gene: AHI1 (Abelson helper integration site 1; minus strand). Cytogenetic location: 6q23.3.
Variant type: single nucleotide variant.
Coding change: c.940A>C on transcript NM_001134831.2 (MANE Select); coding-DNA position 940, A replaced by C.
Protein change: p.Asn314His; replaces asparagine 314 with histidine.
Molecular consequence: missense variant.
Genome position (GRCh38, 1-based): chr6:135,457,705, T>G on the plus strand (A>C on the coding strand, the complement: AHI1 is on the minus strand). VCF-style: chr6-135457705-T-G. GRCh37 (hg19) VCF-style: chr6-135778843-T-G.
Other names: c.940A>C, p.Asn314His (NM_001134830.2, NM_001134832.2, NM_001350503.2 and 2 more transcripts); short protein forms N314H.
Identifiers: ClinVar variation 845750 (VCV000845750.10), dbSNP rs1789198105, ClinGen allele CA365748033.
Genomic context (GRCh38, chr6:135,457,705, plus strand): 5'-AAACCGGGCTATCTCGGCTTGTTATTTCATGAACACCATCACCATCAACATCTTCATTAT[T>G]ATCTGCAACTACACGCATGGAAAAAAAAATCAATGTTATAATTAGTTGTTCCCATAGTAG-3'
Protein context (NP_001128303.1, residues 304-324): TKKKTKAVAD[Asn314His]NEDVDGDGVH

ClinVar aggregate classification (germline): Uncertain significance (1 of 4 stars; one submission).

Conditions:
Joubert syndrome. Also called: CEREBELLOPARENCHYMAL DISORDER IV; JOUBERT-BOLTSHAUSER SYNDROME; Familial aplasia of the vermis. Identifiers: Orphanet 475, MedGen C5979921, MONDO:0018772.

Submission:

Labcorp Genetics (formerly Invitae), Labcorp
Classification: Uncertain significance for Joubert syndrome. Last evaluated: 2019-11-21. Review status: criteria provided, single submitter. Criteria: Invitae Variant Classification Sherloc (09022015). Collection method: clinical testing. Allele origin: germline.
Comment: This variant has not been reported in the literature in individuals with AHI1-related conditions. In summary, the available evidence is currently insufficient to determine the role of this variant in disease. Therefore, it has been classified as a Variant of Uncertain Significance. Algorithms developed to predict the effect of missense changes on protein structure and function (SIFT, PolyPhen-2, Align-GVGD) all suggest that this variant is likely to be tolerated, but these predictions have not been confirmed by published functional studies and their clinical significance is uncertain. This variant is not present in population databases (ExAC no frequency). This sequence change replaces asparagine with histidine at codon 314 of the AHI1 protein (p.Asn314His). The asparagine residue is weakly conserved and there is a small physicochemical difference between asparagine and histidine.